The following is an entry in ClinVar:

NM_001257096.2(PAX1):c.136_149dup (p.Arg51fs)

Gene: PAX1 (paired box 1; plus strand). Cytogenetic location: 20p11.22.
Variant type: Duplication.
Coding change: c.136_149dup on transcript NM_001257096.2 (MANE Select); coding-DNA positions 136 to 149, 14 bases duplicated (GGCCGCCGCGGCTC).
Protein change: p.Arg51fs; shifts the reading frame from arginine 51.
Molecular consequence: frameshift variant.
Genome position (GRCh38, 1-based): chr20:21,705,848-21,705,861, GGCCGCCGCGGCTC duplicated. VCF-style (leftmost placement, unchanged base first): chr20-21705847-G-GGGCCGCCGCGGCTC. GRCh37 (hg19) VCF-style: chr20-21686485-G-GGGCCGCCGCGGCTC.
Other names: c.136_149dup, p.Arg51fs (NM_006192.5); short protein forms R51fs.
Identifiers: ClinVar variation 2144827 (VCV002144827.1), dbSNP rs2514799393, ClinGen allele CA2580098043.
Genomic context (GRCh38, chr20:21,705,847, plus strand): 5'-CCCTGGAGCGGGCGGCAGCGCGCTCCGCTGCCGCGCACAGCGCGTCTCCAGCCCGCGGCT[G>GGGCCGCCGCGGCTC]GGCCGCCGCGGCTCTCGGCTCTCGGGCGCCCTCCCTCTATGCCTCTCACGCGGCGGCGGC-3'

ClinVar aggregate classification (germline): Pathogenic (1 of 4 stars; one submission).

Allele frequency attached by ClinVar (database versions not stated): gnomAD exomes below 0.00001.

Submission:

Labcorp Genetics (formerly Invitae), Labcorp
Classification: Pathogenic. Last evaluated: 2022-07-18. Review status: criteria provided, single submitter. Criteria: Invitae Variant Classification Sherloc (09022015). Collection method: clinical testing. Allele origin: germline.
Comment: This sequence change creates a premature translational stop signal (p.Arg51Alafs*57) in the PAX1 gene. It is expected to result in an absent or disrupted protein product. Loss-of-function variants in PAX1 are known to be pathogenic (PMID: 1889089, 23851939, 28657137, 29681087). This variant is not present in population databases (gnomAD no frequency). This variant has not been reported in the literature in individuals affected with PAX1-related conditions. For these reasons, this variant has been classified as Pathogenic.

Literature cited by the submitters: PubMed 1889089; PubMed 23851939; PubMed 28657137; PubMed 29681087.